The following is an entry in ClinVar:

NM_032539.5(SLITRK2):c.1513C>T (p.His505Tyr)

Gene: SLITRK2 (SLIT and NTRK like family member 2; plus strand). Cytogenetic location: Xq27.3.
Variant type: single nucleotide variant.
Coding change: c.1513C>T on transcript NM_032539.5 (MANE Select); coding-DNA position 1513, C replaced by T.
Protein change: p.His505Tyr; replaces histidine 505 with tyrosine.
Molecular consequence: missense variant.
Genome position (GRCh38, 1-based): chrX:145,823,938, C>T. VCF-style: chrX-145823938-C-T. GRCh37 (hg19) VCF-style: chrX-144905456-C-T.
Other names: c.1513C>T, p.His505Tyr (NM_001144003.3, NM_001144004.3, NM_001144005.3 and 4 more transcripts); short protein forms H505Y.
Identifiers: ClinVar variation 3775967 (VCV003775967.1).
Genomic context (GRCh38, chrX:145,823,938, plus strand): 5'-TCCTTACCTGATAATATATTTGGGGGGACGGCCCTAACCAGGCTGAATCTGAGAAACAAC[C>T]ATTTTTCTCACCTGCCCGTGAAAGGGGTTCTGGATCAGCTCCCGGCTTTCATCCAGATAG-3'
Protein context (NP_115928.1, residues 495-515): ALTRLNLRNN[His505Tyr]FSHLPVKGVL

ClinVar aggregate classification (germline): Uncertain significance (1 of 4 stars; one submission).

Conditions:
Intellectual developmental disorder, X-linked 111 (XLID111). Identifiers: MedGen C5829568, MONDO:0957203, OMIM 301107.

Submission:

3billion
Classification: Uncertain significance for Intellectual developmental disorder, X-linked 111. Last evaluated: 2023-08-05. Review status: criteria provided, single submitter. Criteria: ACMG Guidelines, 2015. Collection method: clinical testing. Allele origin: germline. Affected: yes.
Comment: The variant is not observed in the gnomAD v2.1.1 dataset. Predicted Consequence/Location: Missense changes are a common disease-causing mechanism. In silico tool predictions suggest no damaging effect of the variant on gene or gene product [REVEL: 0.13 (<0.4); 3Cnet: 0.02 (<0.15, specificity 0.78 and negative predicitive value 0.92)]. Therefore, this variant is classified as VUS according to the recommendation of ACMG/AMP guideline.